The following is an entry in ClinVar:

NM_001384474.1(LOXHD1):c.6050-6T>A

Gene: LOXHD1 (lipoxygenase homology PLAT domains 1; minus strand). Cytogenetic location: 18q21.1.
Variant type: single nucleotide variant.
Coding change: c.6050-6T>A on transcript NM_001384474.1 (MANE Select); 6 bases into the intron before coding-DNA position 6050, T replaced by A.
Molecular consequence: intron variant.
Genome position (GRCh38, 1-based): chr18:46,485,157, A>T on the plus strand (T>A on the coding strand, the complement: LOXHD1 is on the minus strand). VCF-style: chr18-46485157-A-T. GRCh37 (hg19) VCF-style: chr18-44065120-A-T.
Other names: c.2717-6T>A (NM_001145472.3); c.2429-6T>A (NM_001308013.2); c.767-6T>A (NM_001173129.2, NM_001145473.3); c.5864-6T>A (NM_144612.7).
Identifiers: ClinVar variation 4998768 (VCV004998768.1).

ClinVar aggregate classification (germline): Uncertain significance (1 of 4 stars; one submission).

Conditions:
LOXHD1-related disorder. Also called: LOXHD1-related condition.

gnomAD v4.1: 5 of 1,547,792 alleles (0.00032%); highest among the groups gnomAD compares: Non-Finnish European, 0.00035%; no homozygotes.

Submission:

PreventionGenetics, part of Exact Sciences
Classification: Uncertain significance for LOXHD1-related condition. Last evaluated: 2025-06-05. Review status: criteria provided, single submitter. Criteria: ACMG Guidelines, 2015. Collection method: clinical testing. Allele origin: germline.
Comment: The LOXHD1 c.5864-6T>A variant is predicted to interfere with splicing. To our knowledge, this variant has not been reported in the literature or in a large population database (gnomAD), indicating this variant is rare. At this time, the clinical significance of this variant is uncertain due to the absence of conclusive functional and genetic evidence.